The following is an entry in ClinVar:

NM_005559.4(LAMA1):c.6012A>G (p.Ile2004Met)

Gene: LAMA1 (laminin subunit alpha 1; minus strand). Cytogenetic location: 18p11.31.
Variant type: single nucleotide variant.
Coding change: c.6012A>G on transcript NM_005559.4 (MANE Select); coding-DNA position 6012, A replaced by G.
Protein change: p.Ile2004Met; replaces isoleucine 2004 with methionine.
Molecular consequence: missense variant.
Genome position (GRCh38, 1-based): chr18:6,978,374, T>C on the plus strand (A>G on the coding strand, the complement: LAMA1 is on the minus strand). VCF-style: chr18-6978374-T-C. GRCh37 (hg19) VCF-style: chr18-6978373-T-C.
Other names: c.6012A>G (NM_005559.3); short protein forms I2004M.
Identifiers: ClinVar variation 1509384 (VCV001509384.7), dbSNP rs773225748, ClinGen allele CA8881379.

ClinVar aggregate classification (germline): Uncertain significance. Review status: criteria provided, multiple submitters, no conflicts (2 of 4 stars). 2 submissions from 2 submitters: Uncertain significance (2). Last evaluated 2022-10-12.

Conditions:
Inborn genetic diseases. Identifiers: MedGen C0950123, MeSH D030342.

Allele frequency attached by ClinVar (database versions not stated): gnomAD exomes below 0.00001 and 0.00001; ExAC 0.00001; gnomAD 0.00001 and 0.00007; TOPMed 0.00011.
gnomAD v4.1: 17 of 1,613,872 alleles (0.0011%); highest among the groups gnomAD compares: Non-Finnish European, 0.00059%; no homozygotes.

Submissions (2):

Ambry Genetics
Classification: Uncertain significance for Inborn genetic diseases. Last evaluated: 2022-10-12. Review status: criteria provided, single submitter. Criteria: Ambry Variant Classification Scheme 2023. Collection method: clinical testing. Allele origin: germline.

Labcorp Genetics (formerly Invitae), Labcorp
Classification: Uncertain significance. Last evaluated: 2022-04-26. Review status: criteria provided, single submitter. Criteria: Invitae Variant Classification Sherloc (09022015). Collection method: clinical testing. Allele origin: germline.
Comment: This sequence change replaces isoleucine, which is neutral and non-polar, with methionine, which is neutral and non-polar, at codon 2004 of the LAMA1 protein (p.Ile2004Met). This variant is present in population databases (rs773225748, gnomAD 0.002%). This variant has not been reported in the literature in individuals affected with LAMA1-related conditions. Algorithms developed to predict the effect of missense changes on protein structure and function output the following: SIFT: "Tolerated"; PolyPhen-2: "Benign"; Align-GVGD: "Class C0". The methionine amino acid residue is found in multiple mammalian species, which suggests that this missense change does not adversely affect protein function. Algorithms developed to predict the effect of sequence changes on RNA splicing suggest that this variant may create or strengthen a splice site. In summary, the available evidence is currently insufficient to determine the role of this variant in disease. Therefore, it has been classified as a Variant of Uncertain Significance.